The following is an entry in ClinVar:

ClinVar aggregate classification (germline): Pathogenic/Likely pathogenic. Review status: criteria provided, multiple submitters, no conflicts (2 of 4 stars). 4 submissions from 4 submitters: Pathogenic (1); Likely pathogenic (2). 1 of the submissions does not count toward it. Last evaluated 2023-09-14.

Conditions:
Intellectual disability. Also called: intellectual disabilities; Intellectual developmental disorder; Intellectual functioning disability. Identifiers: MedGen C3714756, MeSH D008607, MONDO:0001071, HP:0001249.
AGO1-related disorder. Also called: AGO1-related condition.

Submissions (4):

GeneDx
Classification: Pathogenic. Last evaluated: 2023-09-14. Review status: criteria provided, single submitter. Criteria: GeneDx Variant Classification Process June 2021. Collection method: clinical testing. Allele origin: germline. Affected: yes.
Comment: Not observed at significant frequency in large population cohorts (gnomAD); In silico analysis supports a deleterious effect on protein structure/function; This variant is associated with the following publications: (PMID: 35060114, 34930816)

HudsonAlpha Institute for Biotechnology
Classification: Likely pathogenic. Last evaluated: 2023-04-07. Review status: criteria provided, single submitter. Criteria: ACMG Guidelines, 2015. Collection method: research. Allele origin: unknown. Inheritance: Autosomal dominant inheritance. Observed: 1 variant allele. Study: HudsonAlpha-AGHI-WGS.
Comment: ACMG codes:PS2, PM2, PM4

PreventionGenetics, part of Exact Sciences
Classification: Likely pathogenic for AGO1-related condition. Last evaluated: 2022-09-01. Review status: criteria provided, single submitter. Criteria: ACMG Guidelines, 2015. Collection method: clinical testing. Allele origin: germline.
Comment: The AGO1 c.1126_1128delGAG variant is predicted to result in an in-frame deletion (p.Glu376del). This variant was reported to apparently be de novo in three individuals with neurodevelopmental disorders with variable phenotypes (Schalk et al. 2021. PubMed ID: 34930816; Niu et al. 2022. PubMed ID: 35060114). This variant has not been reported in a large population database, indicating this variant is rare. In ClinVar, this variant has conflicting interpretations of uncertain and likely pathogenic. Based on the collective evidence, this variant is interpreted as likely pathogenic.

Diagnostic Laboratory, Strasbourg University Hospital
Classification: Likely pathogenic for Intellectual disability. Review status: no assertion criteria provided. Collection method: clinical testing. Allele origin: de novo. Affected: yes. Not counted in ClinVar's aggregate classification.

NM_012199.5(AGO1):c.1123GAG[1] (p.Glu376del)

Gene: AGO1 (argonaute RISC component 1; plus strand). Cytogenetic location: 1p34.3.
Variant type: Microsatellite.
Coding change: c.1123GAG[1] on transcript NM_012199.5 (MANE Select); one copy of the 3-base unit GAG starting at c.1123; the reference has two copies in a row; one copy, 3 bases deleted; also written c.1126_1128del.
Protein change: p.Glu376del; deletes glutamic acid 376.
Molecular consequence: inframe deletion.
Genome position (GRCh38, 1-based): chr1:35,901,579-35,901,581, GAG deleted; deleting any 3 consecutive bases within chr1:35,901,574-35,901,581 gives the same sequence; the position shown is the placement nearest the transcript's 3' end. VCF-style (leftmost placement, unchanged base first): chr1-35901573-CAGG-C. GRCh37 (hg19) VCF-style: chr1-36367174-CAGG-C.
Other names: c.1126_1128del (NM_012199.3); c.1126_1128delGAG (NM_012199.4, NM_012199.5); c.1123GAG[1], p.Glu376del (NM_001317122.2); c.898GAG[1], p.Glu301del (NM_001317123.2); short protein forms E301del, E376del.
Identifiers: ClinVar variation 1251924 (VCV001251924.5), dbSNP rs2148715376, ClinGen allele CA2580611434.